The following is an entry in ClinVar:

NM_014946.4(SPAST):c.1484C>T (p.Ala495Val)

Gene: SPAST (spastin; plus strand). Cytogenetic location: 2p22.3.
Variant type: single nucleotide variant.
Coding change: c.1484C>T on transcript NM_014946.4 (MANE Select); coding-DNA position 1484, C replaced by T.
Protein change: p.Ala495Val; replaces alanine 495 with valine.
Molecular consequence: missense variant.
Genome position (GRCh38, 1-based): chr2:32,137,179, C>T. VCF-style: chr2-32137179-C-T. GRCh37 (hg19) VCF-style: chr2-32362248-C-T.
Other names: c.1484C>T (NM_014946.3); c.1481C>T, p.Ala494Val (NM_001363823.2); c.1385C>T, p.Ala462Val (NM_001363875.2); c.1388C>T, p.Ala463Val (NM_001377959.1, NM_199436.2); short protein forms A495V, A494V, A462V, A463V.
Identifiers: ClinVar variation 488606 (VCV000488606.11), dbSNP rs1553318347, ClinGen allele CA346502534.
Genomic context (GRCh38, chr2:32,137,179, plus strand): 5'-CTGGAGATGACAGAGTACTTGTAATGGGTGCAACTAATAGGCCACAAGAGCTTGATGAGG[C>T]TGTTCTCAGGTAGGGAGATTTATATGGAAATACATGCATTTATTACAGACAATATTTACT-3'
Protein context (NP_055761.2, residues 485-505): ATNRPQELDE[Ala495Val]VLRRFIKRVY

ClinVar aggregate classification (germline): Pathogenic/Likely pathogenic. Review status: criteria provided, multiple submitters, no conflicts (2 of 4 stars). 3 submissions from 3 submitters: Pathogenic (2); Likely pathogenic (1). Last evaluated 2022-01-19.

Conditions:
Hereditary spastic paraplegia 4. Also called: Spastic paraplegia 4, autosomal dominant; Familial spastic paraplegia autosomal dominant 2; Spastic Paraplegia 4. Identifiers: Orphanet 100985, MedGen C1866855, MONDO:0008438, OMIM 182601.

Submissions (3):

Revvity Omics, Revvity
Classification: Likely pathogenic for Hereditary spastic paraplegia 4. Last evaluated: 2022-01-19. Review status: criteria provided, single submitter. Criteria: ACMG Guidelines, 2015. Collection method: clinical testing. Allele origin: germline.

Labcorp Genetics (formerly Invitae), Labcorp
Classification: Pathogenic for Hereditary spastic paraplegia 4. Last evaluated: 2021-10-28. Review status: criteria provided, single submitter. Criteria: Invitae Variant Classification Sherloc (09022015). Collection method: clinical testing. Allele origin: germline.
Comment: For these reasons, this variant has been classified as Pathogenic. This variant disrupts the p.Ala495 amino acid residue in SPAST. Other variant(s) that disrupt this residue have been determined to be pathogenic (PMID: 31157359, 32989326). This suggests that this residue is clinically significant, and that variants that disrupt this residue are likely to be disease-causing. Algorithms developed to predict the effect of sequence changes on RNA splicing suggest that this variant may create or strengthen a splice site. Advanced modeling of protein sequence and biophysical properties (such as structural, functional, and spatial information, amino acid conservation, physicochemical variation, residue mobility, and thermodynamic stability) performed at Invitae indicates that this missense variant is expected to disrupt SPAST protein function. ClinVar contains an entry for this variant (Variation ID: 488606). This missense change has been observed in individual(s) with dystonic cerebral palsy (PMID: 33098801). In at least one individual the variant was observed to be de novo. This variant is not present in population databases (gnomAD no frequency). This sequence change replaces alanine, which is neutral and non-polar, with valine, which is neutral and non-polar, at codon 495 of the SPAST protein (p.Ala495Val).

Institute of Human Genetics Munich, TUM University Hospital
Classification: Pathogenic for Hereditary spastic paraplegia 4. Last evaluated: 2017-09-08. Review status: criteria provided, single submitter. Criteria: Classification criteria August 2017. Collection method: clinical testing. Allele origin: de novo. Inheritance: Autosomal dominant inheritance. Affected: yes. Observed: 1 heterozygote.

Literature cited by the submitters: PubMed 31157359 (cited by Labcorp Genetics (formerly Invitae), Labcorp); PubMed 32989326 (cited by Labcorp Genetics (formerly Invitae), Labcorp); PubMed 33098801 (cited by Labcorp Genetics (formerly Invitae), Labcorp).